The following is an entry in ClinVar:

ClinVar aggregate classification (germline): Pathogenic/Likely pathogenic. Review status: criteria provided, multiple submitters, no conflicts (2 of 4 stars). 5 submissions from 5 submitters: Pathogenic (3); Likely pathogenic (2). Last evaluated 2026-05-06.

Conditions:
Neurodegeneration with brain iron accumulation (NBIA). Identifiers: Orphanet 385, MedGen C2931845, MONDO:0018307.
Infantile neuroaxonal dystrophy (NBIA2A). Also called: NEURODEGENERATION WITH BRAIN IRON ACCUMULATION 2A; SEITELBERGER DISEASE; Infantile neuroaxonal dystrophy 1. Identifiers: Orphanet 35069, MedGen C0270724, MONDO:0024457, OMIM 256600.
Iron accumulation in brain. Identifiers: MedGen C4021076, HP:0012675.

Submissions (5):

Women's Health and Genetics/Laboratory Corporation of America, LabCorp
Classification: Pathogenic for Neurodegeneration with brain iron accumulation. Last evaluated: 2026-05-06. Review status: criteria provided, single submitter. Criteria: LabCorp Variant Classification Summary - May 2015. Collection method: clinical testing. Allele origin: germline.
Comment: Variant summary: PLA2G6 c.673C>T (p.His225Tyr) results in a conservative amino acid change in the encoded protein sequence. Algorithms developed to predict the effect of missense changes on protein structure and function are either unavailable or do not agree on the potential impact of this missense change. The variant was absent in 251146 control chromosomes. c.673C>T has been observed in multiple individuals affected with Neurodegeneration With Brain Iron Accumulation (Salih_2013). These data indicate that the variant is very likely to be associated with disease. To our knowledge, no experimental evidence demonstrating an impact on protein function has been reported. The following publication have been ascertained in the context of this evaluation (PMID: 24130795). ClinVar contains an entry for this variant (Variation ID: 159775). Based on the evidence outlined above, the variant was classified as pathogenic.

Genomic Medicine Center of Excellence, King Faisal Specialist Hospital and Research Centre
Classification: Likely pathogenic for Infantile neuroaxonal dystrophy. Last evaluated: 2025-09-10. Review status: criteria provided, single submitter. Criteria: ACMG Guidelines, 2015. Collection method: clinical testing. Allele origin: germline.

Labcorp Genetics (formerly Invitae), Labcorp
Classification: Pathogenic for Infantile neuroaxonal dystrophy. Last evaluated: 2020-03-05. Review status: criteria provided, single submitter. Criteria: Invitae Variant Classification Sherloc (09022015). Collection method: clinical testing. Allele origin: germline.
Comment: Algorithms developed to predict the effect of missense changes on protein structure and function are either unavailable or do not agree on the potential impact of this missense change (SIFT: "Tolerated"; PolyPhen-2: "Possibly Damaging"; Align-GVGD: "Class C0"). This sequence change replaces histidine with tyrosine at codon 225 of the PLA2G6 protein (p.His225Tyr). The histidine residue is highly conserved and there is a moderate physicochemical difference between histidine and tyrosine. This variant is not present in population databases (ExAC no frequency). This variant has been observed in individual(s) with clinical features of PLA2G6-related conditions (PMID:24130795, Invitae). It has also been observed to segregate with disease in related individuals. ClinVar contains an entry for this variant (Variation ID: 159775). Algorithms developed to predict the effect of sequence changes on RNA splicing suggest that this variant may create or strengthen a splice site, but this prediction has not been confirmed by published transcriptional studies. For these reasons, this variant has been classified as Pathogenic.

GeneDx
Classification: Pathogenic. Last evaluated: 2015-08-10. Review status: criteria provided, single submitter. Criteria: GeneDx Variant Classification (06012015). Collection method: clinical testing. Allele origin: germline. Affected: yes.
Comment: The H225Y variant in the PLA2G6 gene has been reported previously in homozygous state in 4 affectedindividuals from a single kindred who presented with progressive childhood ataxia, slow cognitive decline,psychiatric symptoms, optic nerve pallor with upward gaze palsy, cerebellar atrophy, and loss of ambulationin the late teenage years (Salih et al., 2013; Khan et al., 2014). The H225Y substitution was not observed inapproximately 6500 individuals of European and African American ancestry in the NHLBI ExomeSequencing Project, indicating it is not a common benign variant in these populations. The H225Y variantis a non-conservative amino acid substitution, which is likely to impact secondary protein structure as theseresidues differ in polarity, charge, size and/or other properties. This substitution occurs at a position that isconserved in mammals. In silico analysis is inconsistent in its predictions as to whether or not the variantis damaging to the protein structure/function. We interpret H225Y as a pathogenic variant.

Genetic Services Laboratory, University of Chicago
Classification: Likely pathogenic for iron accumulation in brain. Last evaluated: 2013-02-08. Review status: criteria provided, single submitter. Criteria: ACMG Guidelines, 2007. Collection method: clinical testing. Allele origin: germline. Inheritance: Autosomal recessive inheritance. Affected: yes.

Literature cited by the submitters: PubMed 24130795 (cited by Women's Health and Genetics/Laboratory Corporation of America, LabCorp and Labcorp Genetics (formerly Invitae), Labcorp).

NM_003560.4(PLA2G6):c.673C>T (p.His225Tyr)

Gene: PLA2G6 (phospholipase A2 group VI; minus strand). Cytogenetic location: 22q13.1.
Variant type: single nucleotide variant.
Coding change: c.673C>T on transcript NM_003560.4 (MANE Select); coding-DNA position 673, C replaced by T.
Protein change: p.His225Tyr; replaces histidine 225 with tyrosine.
Molecular consequence: missense variant. On other transcripts: intron variant (1).
Genome position (GRCh38, 1-based): chr22:38,140,106, G>A on the plus strand (C>T on the coding strand, the complement: PLA2G6 is on the minus strand). VCF-style: chr22-38140106-G-A. GRCh37 (hg19) VCF-style: chr22-38536113-G-A.
Other names: c.673C>T, p.His225Tyr (NM_001004426.3, NM_001199562.3, NM_001349864.2 and 2 more transcripts); c.139C>T, p.His47Tyr (NM_001349867.2, NM_001349869.2); c.119+2999C>T (NM_001349868.2); short protein forms H225Y, H47Y.
Identifiers: ClinVar variation 159775 (VCV000159775.17), dbSNP rs587784359, ClinGen allele CA173284.